The following is an entry in ClinVar:

ClinVar aggregate classification (germline): Pathogenic. Review status: criteria provided, single submitter (1 of 4 stars). 2 submissions from 2 submitters: Pathogenic (1). 1 of the submissions does not count toward it. Last evaluated 2021-08-13.

Conditions:
Osteogenesis imperfecta type I (OI1). Also called: Lobstein's Disease; Lobstein disease; Osteogenesis imperfecta type 1; OI, TYPE I; OSTEOGENESIS IMPERFECTA TARDA; OSTEOGENESIS IMPERFECTA WITH BLUE SCLERAE. Identifiers: Orphanet 216796, Orphanet 666, MedGen C0023931, MONDO:0008146, OMIM 166200. Disease mechanism: loss of function.

Allele frequency attached by ClinVar (database versions not stated): gnomAD exomes below 0.00001.
gnomAD v4.1: 1 of 1,614,106 alleles (0.000062%); highest among the groups gnomAD compares: Non-Finnish European, 0.000085%; no homozygotes.

Submissions (2):

Labcorp Genetics (formerly Invitae), Labcorp
Classification: Pathogenic for Osteogenesis imperfecta type I. Last evaluated: 2021-08-13. Review status: criteria provided, single submitter. Criteria: Invitae Variant Classification Sherloc (09022015). Collection method: clinical testing. Allele origin: germline.
Comment: ClinVar contains an entry for this variant (Variation ID: 425640). For these reasons, this variant has been classified as Pathogenic. This variant disrupts the triple helix domain of COL1A1. Glycine residues within the Gly-Xaa-Yaa repeats of the triple helix domain are required for the structure and stability of fibrillar collagens (PMID: 7695699, 8218237, 19344236). In COL1A1, variants affecting these glycine residues are significantly enriched in individuals with disease (PMID: 9016532, 17078022) compared to the general population (ExAC). Advanced modeling of protein sequence and biophysical properties (such as structural, functional, and spatial information, amino acid conservation, physicochemical variation, residue mobility, and thermodynamic stability) performed at Invitae indicates that this missense variant is expected to disrupt COL1A1 protein function. This missense change has been observed in individual(s) with osteogenesis imperfecta (PMID: 17078022, 25944380). This variant is not present in population databases (ExAC no frequency). This sequence change replaces glycine with alanine at codon 284 of the COL1A1 protein (p.Gly284Ala). The glycine residue is highly conserved and there is a small physicochemical difference between glycine and alanine.

Department of Medical Sciences, Uppsala University
Classification: Pathogenic for OI type I. Review status: no assertion criteria provided. Collection method: clinical testing. Allele origin: paternal, maternal. Affected: yes. Observed: 2 variant alleles. Not counted in ClinVar's aggregate classification.

Literature cited by the submitters: PubMed 7695699 (cited by Labcorp Genetics (formerly Invitae), Labcorp); PubMed 8218237 (cited by Labcorp Genetics (formerly Invitae), Labcorp); PubMed 19344236 (cited by Labcorp Genetics (formerly Invitae), Labcorp); PubMed 9016532 (cited by Labcorp Genetics (formerly Invitae), Labcorp); PubMed 17078022 (cited by Labcorp Genetics (formerly Invitae), Labcorp); PubMed 25944380 (cited by Labcorp Genetics (formerly Invitae), Labcorp and Department of Medical Sciences, Uppsala University).

NM_000088.4(COL1A1):c.851G>C (p.Gly284Ala)

Genes: COL1A1 (collagen type I alpha 1 chain; minus strand), LOC126862586 (CDK7 strongly-dependent group 2 enhancer GRCh37_chr17:48273702-48274901; plus strand). Cytogenetic location: 17q21.33.
Variant type: single nucleotide variant.
Coding change: c.851G>C on transcript NM_000088.4 (MANE Select); coding-DNA position 851, G replaced by C.
Protein change: p.Gly284Ala; replaces glycine 284 with alanine.
Molecular consequence: missense variant.
Genome position (GRCh38, 1-based): chr17:50,196,624, C>G on the plus strand (G>C on the coding strand, the complement: COL1A1 is on the minus strand). VCF-style: chr17-50196624-C-G. GRCh37 (hg19) VCF-style: chr17-48273985-C-G.
Other names: c.851G>C (LRG_1t1); short protein forms G284A.
Identifiers: ClinVar variation 425640 (VCV000425640.7), dbSNP rs72645337, ClinGen allele CA291547382.